The following is an entry in ClinVar:

ClinVar aggregate classification (germline): Uncertain significance. Review status: criteria provided, multiple submitters, no conflicts (2 of 4 stars). 2 submissions from 2 submitters: Uncertain significance (2). Last evaluated 2024-07-01.

Allele frequency attached by ClinVar (database versions not stated): TOPMed below 0.00001; ExAC 0.00001; gnomAD 0.00001; gnomAD exomes 0.00002 and 0.00003.
gnomAD v4.1: 45 of 1,613,886 alleles (0.0028%); highest among the groups gnomAD compares: Non-Finnish European, 0.0034%; no homozygotes.

Submissions (2):

CeGaT Center for Human Genetics Tuebingen
Classification: Uncertain significance. Last evaluated: 2024-07-01. Review status: criteria provided, single submitter. Criteria: CeGaT Center For Human Genetics Tuebingen Variant Classification Criteria Version 2. Collection method: clinical testing. Allele origin: germline. Affected: yes. Observed: 1 variant allele.
Comment: ATF6: PM2, BP4

Labcorp Genetics (formerly Invitae), Labcorp
Classification: Uncertain significance. Last evaluated: 2021-08-08. Review status: criteria provided, single submitter. Criteria: Invitae Variant Classification Sherloc (09022015). Collection method: clinical testing. Allele origin: germline.
Comment: This variant has not been reported in the literature in individuals with ATF6-related conditions. In summary, the available evidence is currently insufficient to determine the role of this variant in disease. Therefore, it has been classified as a Variant of Uncertain Significance. Algorithms developed to predict the effect of missense changes on protein structure and function are either unavailable or do not agree on the potential impact of this missense change (SIFT: "Deleterious"; PolyPhen-2: "Benign"; Align-GVGD: "Class C0"). This variant is present in population databases (rs749629569, ExAC 0.002%). This sequence change replaces alanine with glutamic acid at codon 654 of the ATF6 protein (p.Ala654Glu). The alanine residue is weakly conserved and there is a moderate physicochemical difference between alanine and glutamic acid.

NM_007348.4(ATF6):c.1961C>A (p.Ala654Glu)

Gene: ATF6 (activating transcription factor 6; plus strand). Cytogenetic location: 1q23.3.
Variant type: single nucleotide variant.
Coding change: c.1961C>A on transcript NM_007348.4 (MANE Select); coding-DNA position 1961, C replaced by A.
Protein change: p.Ala654Glu; replaces alanine 654 with glutamic acid.
Molecular consequence: missense variant.
Genome position (GRCh38, 1-based): chr1:161,958,602, C>A. VCF-style: chr1-161958602-C-A. GRCh37 (hg19) VCF-style: chr1-161928392-C-A.
Other names: short protein forms A654E.
Identifiers: ClinVar variation 1055213 (VCV001055213.22), dbSNP rs749629569, ClinGen allele CA1214646.